The following is an entry in ClinVar:

NM_000038.6(APC):c.422+1113T>A

Gene: APC (APC regulator of WNT signaling pathway; plus strand). Cytogenetic location: 5q22.2.
Variant type: single nucleotide variant.
Coding change: c.422+1113T>A on transcript NM_000038.6 (MANE Select); 1113 bases into the intron after coding-DNA position 422, T replaced by A.
Molecular consequence: intron variant.
Genome position (GRCh38, 1-based): chr5:112,768,503, T>A. VCF-style: chr5-112768503-T-A. GRCh37 (hg19) VCF-style: chr5-112104200-T-A.
Other names: c.422+1113T>A (NM_001354895.2, NM_001127510.3, NM_001354896.2 and 2 more transcripts); c.452+1113T>A (NM_001354897.2, NM_001354902.2, NM_001127511.3); c.347+1113T>A (NM_001354898.2, NM_001354904.2); c.-614+1113T>A (NM_001354906.2); c.245+1113T>A (NM_001354900.2, NM_001354901.2, NM_001354905.2).
Identifiers: ClinVar variation 82408 (VCV000082408.2), dbSNP rs78572209, ClinGen allele CA009000.

ClinVar aggregate classification (germline): other (0 of 4 stars; one submission).

Conditions:
Familial colorectal cancer. Identifiers: MedGen CN280943, MONDO:0023113. Disease mechanism: loss of function.

Submission:

Systems Biology Platform Zhejiang California International NanoSystems Institute
Classification: other for Familial colorectal cancer. Review status: no assertion criteria provided. Collection method: not provided. Allele origin: unknown.
ClinVar note: Converted during submission from cancer to other.